The following is an entry in ClinVar:

ClinVar aggregate classification (germline): Uncertain significance (1 of 4 stars; one submission).

Conditions:
Hereditary cancer-predisposing syndrome. Also called: Neoplastic Syndromes, Hereditary; Tumor predisposition; Hereditary Cancer Syndrome; Hereditary neoplastic syndrome. Identifiers: Orphanet 140162, MedGen C0027672, MeSH D009386, MONDO:0015356.

Submission:

Ambry Genetics
Classification: Uncertain significance for Hereditary cancer-predisposing syndrome. Last evaluated: 2024-12-10. Review status: criteria provided, single submitter. Criteria: Ambry Variant Classification Scheme 2023. Collection method: clinical testing. Allele origin: germline.
Comment: The p.Y924C variant (also known as c.2771A>G), located in coding exon 21 of the POLD1 gene, results from an A to G substitution at nucleotide position 2771. The tyrosine at codon 924 is replaced by cysteine, an amino acid with highly dissimilar properties. This amino acid position is conserved. In addition, this alteration is predicted to be deleterious by in silico analysis. Based on the available evidence, the clinical significance of this variant remains unclear.

NM_002691.4(POLD1):c.2771A>G (p.Tyr924Cys)

Gene: POLD1 (DNA polymerase delta 1, catalytic subunit; plus strand). Cytogenetic location: 19q13.33.
Variant type: single nucleotide variant.
Coding change: c.2771A>G on transcript NM_002691.4 (MANE Select); coding-DNA position 2771, A replaced by G.
Protein change: p.Tyr924Cys; replaces tyrosine 924 with cysteine.
Molecular consequence: missense variant.
Genome position (GRCh38, 1-based): chr19:50,415,777, A>G. VCF-style: chr19-50415777-A-G. GRCh37 (hg19) VCF-style: chr19-50919034-A-G.
Other names: c.2771A>G, p.Tyr924Cys (NM_001256849.1); c.2849A>G, p.Tyr950Cys (NM_001308632.1); short protein forms Y950C, Y924C.
Identifiers: ClinVar variation 3422022 (VCV003422022.1).
Genomic context (GRCh38, chr19:50,415,777, plus strand): 5'-CACGCAGGATGAGGAAGCGGGACCCCGGGAGTGCGCCCAGCCTGGGCGACCGCGTCCCCT[A>G]CGTGATCATCAGTGCCGCCAAGGGTGTGGCCGCCTACATGAAGTCGGAGGTCAGGCCCAC-3'
Protein context (NP_002682.2, residues 914-934): SAPSLGDRVP[Tyr924Cys]VIISAAKGVA